The following is an entry in ClinVar:

ClinVar aggregate classification (germline): Uncertain significance. Review status: criteria provided, multiple submitters, no conflicts (2 of 4 stars). 3 submissions from 3 submitters: Uncertain significance (3). Last evaluated 2024-12-27.

Conditions:
Inborn genetic diseases. Identifiers: MedGen C0950123, MeSH D030342.
SLC1A3-related disorder. Also called: SLC1A3-related condition.

Allele frequency attached by ClinVar (database versions not stated): gnomAD 0.00001; gnomAD exomes 0.00001; TOPMed 0.00001.
gnomAD v4.1: 16 of 1,614,060 alleles (0.00099%); highest among the groups gnomAD compares: Non-Finnish European, 0.0014%; no homozygotes.

Submissions (3):

PreventionGenetics, part of Exact Sciences
Classification: Uncertain significance for SLC1A3-related condition. Last evaluated: 2024-12-27. Review status: criteria provided, single submitter. Criteria: ACMG Guidelines, 2015. Collection method: clinical testing. Allele origin: germline.
Comment: The SLC1A3 c.803G>A variant is predicted to result in the amino acid substitution p.Arg268Lys. To our knowledge, this variant has not been reported in the literature. This variant is reported in 0.0018% of alleles in individuals of European (Non-Finnish) descent in gnomAD. At this time, the clinical significance of this variant is uncertain due to the absence of conclusive functional and genetic evidence.

Ambry Genetics
Classification: Uncertain significance for Inborn genetic diseases. Last evaluated: 2023-01-17. Review status: criteria provided, single submitter. Criteria: Ambry Variant Classification Scheme 2023. Collection method: clinical testing. Allele origin: germline.

Athena Diagnostics
Classification: Uncertain significance. Last evaluated: 2018-08-28. Review status: criteria provided, single submitter. Criteria: Athena Diagnostics Criteria. Collection method: clinical testing. Allele origin: germline.

NM_004172.5(SLC1A3):c.803G>A (p.Arg268Lys)

Genes: SLC1A3 (solute carrier family 1 member 3; plus strand), SLC1A3-AS1 (SLC1A3 antisense RNA 1; minus strand). Cytogenetic location: 5p13.2.
Variant type: single nucleotide variant.
Coding change: c.803G>A on transcript NM_004172.5 (MANE Select); coding-DNA position 803, G replaced by A.
Protein change: p.Arg268Lys; replaces arginine 268 with lysine.
Molecular consequence: missense variant. On other transcripts: intron variant (1).
Genome position (GRCh38, 1-based): chr5:36,677,127, G>A. VCF-style: chr5-36677127-G-A. GRCh37 (hg19) VCF-style: chr5-36677229-G-A.
Other names: c.803G>A, p.Arg268Lys (NM_001166695.3); c.665G>A, p.Arg222Lys (NM_001289939.2); c.525-2500G>A (NM_001289940.2); short protein forms R268K, R222K.
Identifiers: ClinVar variation 805483 (VCV000805483.4), dbSNP rs1371499415, ClinGen allele CA359479395.
Genomic context (GRCh38, chr5:36,677,127, plus strand): 5'-TCTTCTCCATGTGCTTCGGTTTTGTGATTGGAAACATGAAGGAACAGGGGCAGGCCCTGA[G>A]AGAGTTCTTTGATTCTCTTAACGAAGCCATCATGAGACTGGTAGCAGTAATAATGTGGTA-3'
Protein context (NP_004163.3, residues 258-278): GNMKEQGQAL[Arg268Lys]EFFDSLNEAI